The following is an entry in ClinVar:

ClinVar aggregate classification (germline): Uncertain significance. Review status: criteria provided, multiple submitters, no conflicts (2 of 4 stars). 3 submissions from 3 submitters: Uncertain significance (3). Last evaluated 2026-01-25.

Conditions:
Weill-Marchesani syndrome 2, dominant. Also called: Weill-Marchesani Syndrome, Autosomal Dominant; FBN1-Related Weill-Marchesani Syndrome. Identifiers: Orphanet 2084, MedGen C1869115, MONDO:0012013, OMIM 608328.
Progeroid and marfanoid aspect-lipodystrophy syndrome. Also called: Marfan lipodystrophy syndrome; MARFANOID-PROGEROID SYNDROME; MARFAN-PROGEROID-LIPODYSTROPHY SYNDROME; MARFANOID-PROGEROID-LIPODYSTROPHY SYNDROME. Identifiers: Orphanet 300382, MedGen C4310796, MONDO:0014831, OMIM 616914.
Stiff skin syndrome (SSKS). Identifiers: Orphanet 2833, MedGen C1861456, MONDO:0008492, OMIM 184900.
Acromicric dysplasia (ACMICD). Also called: Acromicric skeletal dysplasia. Identifiers: Orphanet 969, MedGen C0265287, MONDO:0007055, OMIM 102370.
Geleophysic dysplasia 2 (GPHYSD2). Identifiers: Orphanet 2623, MedGen C3280054, MONDO:0013612, OMIM 614185.
Ectopia lentis 1, isolated, autosomal dominant (ECTOL1). Identifiers: Orphanet 1885, MedGen C3541518, MONDO:0007514, OMIM 129600.
Marfan syndrome (MFS). Also called: FBN1-Related Marfan Syndrome; Marfan syndrome type 1; Marfan's syndrome; Marfan syndrome, classic; MARFAN SYNDROME, TYPE I. Identifiers: Orphanet 284963, Orphanet 558, MedGen C0024796, MONDO:0007947, OMIM 154700.
MASS syndrome (OCTD). Also called: MASS PHENOTYPE; OVERLAP CONNECTIVE TISSUE DISEASE. Identifiers: MedGen C1858556, MONDO:0011431, OMIM 604308.
Familial thoracic aortic aneurysm and aortic dissection (TAAD). Also called: Thoracic aortic aneurysms and dissections. Identifiers: Orphanet 91387, MedGen C4707243, MONDO:0019625.

Allele frequency attached by ClinVar (database versions not stated): gnomAD exomes below 0.00001.

Submissions (3):

GeneDx
Classification: Uncertain significance. Last evaluated: 2026-01-25. Review status: criteria provided, single submitter. Criteria: GeneDx Variant Classification Process June 2021. Collection method: clinical testing. Allele origin: germline.
Comment: Not observed at significant frequency in large population cohorts (gnomAD); In silico analysis suggests that this missense variant does not alter protein structure/function; Has not been previously published as pathogenic or benign to our knowledge; Does not affect a cysteine or calcium-binding residue within an EGF-like domain or a TGF-binding protein domain of the FBN1 gene; cysteine substitutions in the EGF-like domains represent the majority of pathogenic missense changes associated with FBN1-related disorders (PMID: 12938084); This variant is associated with the following publications: (PMID: 12938084)

Fulgent Genetics
Classification: Uncertain significance for Acromicric dysplasia; Ectopia lentis 1, isolated, autosomal dominant; Marfan syndrome; Stiff skin syndrome; MASS syndrome; Weill-Marchesani syndrome 2, dominant; Geleophysic dysplasia 2; Progeroid and marfanoid aspect-lipodystrophy syndrome. Last evaluated: 2021-10-12. Review status: criteria provided, single submitter. Criteria: ACMG Guidelines, 2015. Collection method: clinical testing. Allele origin: unknown.

Labcorp Genetics (formerly Invitae), Labcorp
Classification: Uncertain significance for Marfan syndrome; Familial thoracic aortic aneurysm and aortic dissection. Last evaluated: 2018-10-06. Review status: criteria provided, single submitter. Criteria: Invitae Variant Classification Sherloc (09022015). Collection method: clinical testing. Allele origin: germline.
Comment: This variant has not been reported in the literature in individuals with FBN1-related disease. Algorithms developed to predict the effect of missense changes on protein structure and function do not agree on the potential impact of this missense change (SIFT: "Deleterious"; PolyPhen-2: "Possibly Damaging"; Align-GVGD: "Class C0"). In summary, the available evidence is currently insufficient to determine the role of this variant in disease. Therefore, it has been classified as a Variant of Uncertain Significance. This variant is not present in population databases (ExAC no frequency). This sequence change replaces glutamic acid with lysine at codon 303 of the FBN1 protein (p.Glu303Lys). The glutamic acid residue is highly conserved and there is a small physicochemical difference between glutamic acid and lysine.

NM_000138.5(FBN1):c.907G>A (p.Glu303Lys)

Gene: FBN1 (fibrillin 1; minus strand). Cytogenetic location: 15q21.1.
Variant type: single nucleotide variant.
Coding change: c.907G>A on transcript NM_000138.5 (MANE Select); coding-DNA position 907, G replaced by A.
Protein change: p.Glu303Lys; replaces glutamic acid 303 with lysine.
Molecular consequence: missense variant.
Genome position (GRCh38, 1-based): chr15:48,526,211, C>T on the plus strand (G>A on the coding strand, the complement: FBN1 is on the minus strand). VCF-style: chr15-48526211-C-T. GRCh37 (hg19) VCF-style: chr15-48818408-C-T.
Other names: short protein forms E303K.
Identifiers: ClinVar variation 581305 (VCV000581305.11), dbSNP rs1566919661, ClinGen allele CA392350304.